The following is an entry in ClinVar:

NM_018026.4(PACS1):c.798G>A (p.Lys266=)

Gene: PACS1 (phosphofurin acidic cluster sorting protein 1; plus strand). Cytogenetic location: 11q13.2.
Variant type: single nucleotide variant.
Coding change: c.798G>A on transcript NM_018026.4 (MANE Select); coding-DNA position 798, G replaced by A.
Protein change: p.Lys266=; no amino-acid change (lysine 266 retained).
Molecular consequence: synonymous variant.
Genome position (GRCh38, 1-based): chr11:66,216,256, G>A. VCF-style: chr11-66216256-G-A. GRCh37 (hg19) VCF-style: chr11-65983727-G-A.
Other names: c.798G>A (NM_018026.3).
Identifiers: ClinVar variation 2417491 (VCV002417491.10), dbSNP rs200395584, ClinGen allele CA6116340.
Genomic context (GRCh38, chr11:66,216,256, plus strand): 5'-AGAAATAAAGATCTACTCCCTGTCCAGCCAACCCATTGACCATGAAGGAATCAAATCCAA[G>A]CTTTCTGGTAAGAAGCATGCAGCATCTGGAGACCCTACGAAGAGGGAGCCCATCCTGGGA-3'
Protein context (NP_060496.2, residues 256-276): QPIDHEGIKS[Lys266=]LSDRSPDIDN

ClinVar aggregate classification (germline): Likely benign. Review status: criteria provided, single submitter (1 of 4 stars). 2 submissions from 2 submitters: Likely benign (1). 1 of the submissions does not count toward it. Last evaluated 2025-10-28.

Conditions:
PACS1-related disorder. Also called: PACS1-related condition.
Schuurs-Hoeijmakers syndrome. Also called: PACS1-Related Neurodevelopmental Disorder. Identifiers: Orphanet 329224, MedGen C3554343, MONDO:0014006, OMIM 615009.

Allele frequency attached by ClinVar (database versions not stated): gnomAD 0.00005; ExAC 0.00007; 1000 Genomes Project 30x 0.00031; TOPMed 0.00002; 1000 Genomes Project 0.00020.
gnomAD v4.1: 38 of 1,614,060 alleles (0.0024%); highest among the groups gnomAD compares: South Asian, 0.033%; no homozygotes.

Submissions (2):

Labcorp Genetics (formerly Invitae), Labcorp
Classification: Likely benign for Schuurs-Hoeijmakers syndrome. Last evaluated: 2025-10-28. Review status: criteria provided, single submitter. Criteria: Invitae Variant Classification Sherloc (09022015). Collection method: clinical testing. Allele origin: germline.

PreventionGenetics, part of Exact Sciences
Classification: Likely benign for PACS1-related condition. Last evaluated: 2019-07-01. Review status: no assertion criteria provided. Collection method: clinical testing. Allele origin: germline. Not counted in ClinVar's aggregate classification.
Comment: This variant is classified as likely benign based on ACMG/AMP sequence variant interpretation guidelines (Richards et al. 2015 PMID: 25741868, with internal and published modifications).